The following is an entry in ClinVar:

ClinVar aggregate classification (germline): Uncertain significance (1 of 4 stars; one submission).

Submission:

GeneDx
Classification: Uncertain significance. Last evaluated: 2022-09-07. Review status: criteria provided, single submitter. Criteria: GeneDx Variant Classification Process June 2021. Collection method: clinical testing. Allele origin: germline. Affected: yes.
Comment: Frameshift variant predicted to result in protein truncation or nonsense mediated decay in a gene for which loss of function is not a well-established mechanism of disease; Not observed at significant frequency in large population cohorts (gnomAD); Has not been previously published as pathogenic or benign to our knowledge

NM_001961.4(EEF2):c.1465dup (p.Glu489fs)

Gene: EEF2 (eukaryotic translation elongation factor 2; minus strand). Cytogenetic location: 19p13.3.
Variant type: Duplication.
Coding change: c.1465dup on transcript NM_001961.4 (MANE Select); coding-DNA position 1465, one base duplicated (G; older notation c.1465dupG).
Protein change: p.Glu489fs; shifts the reading frame from glutamic acid 489.
Molecular consequence: frameshift variant.
Genome position (GRCh38, 1-based): chr19:3,979,948, C duplicated on the plus strand (G on the coding strand, the reverse complement: EEF2 is on the minus strand). VCF-style (leftmost placement, unchanged base first): chr19-3979947-T-TC. GRCh37 (hg19) VCF-style: chr19-3979945-T-TC.
Other names: short protein forms E489fs.
Identifiers: ClinVar variation 2443641 (VCV002443641.1), dbSNP rs2512201786, ClinGen allele CA2580096967.
Genomic context (GRCh38, chr19:3,979,947, plus strand): 5'-ACGGCCACTCTGACAACAGGGCTGACGCTGAACTTCATCACCCGCATGTTGTGCGCGTGC[T>TC]CGAAGGTGGTGATGGTGCCCGTCTTCACCAGGAACTGGTCCACGCCCACGAGGCCCACAA-3'